The following is an entry in ClinVar:

ClinVar aggregate classification (germline): Uncertain significance (1 of 4 stars; one submission).

Submission:

GeneDx
Classification: Uncertain significance. Last evaluated: 2025-04-06. Review status: criteria provided, single submitter. Criteria: GeneDx Variant Classification Process June 2021. Collection method: clinical testing. Allele origin: germline. Affected: yes.
Comment: Not observed at significant frequency in large population cohorts (gnomAD); Frameshift variant predicted to result in protein truncation or nonsense mediated decay in a gene or region of a gene for which loss of function is not a well-established mechanism of disease; Has not been previously published as pathogenic or benign to our knowledge

NM_002069.6(GNAI1):c.114dup (p.Leu39fs)

Gene: GNAI1 (G protein subunit alpha i1; plus strand). Cytogenetic location: 7q21.11.
Variant type: Duplication.
Coding change: c.114dup on transcript NM_002069.6 (MANE Select); coding-DNA position 114, one base duplicated (G; older notation c.114dupG).
Protein change: p.Leu39fs; shifts the reading frame from leucine 39.
Molecular consequence: frameshift variant.
Genome position (GRCh38, 1-based): chr7:80,135,274, G duplicated. VCF-style (leftmost placement, unchanged base first): chr7-80135273-T-TG. GRCh37 (hg19) VCF-style: chr7-79764589-T-TG.
Other names: short protein forms L39fs.
Identifiers: ClinVar variation 4278556 (VCV004278556.1).